The following is an entry in ClinVar:

ClinVar aggregate classification (germline): Uncertain significance. Review status: criteria provided, multiple submitters, no conflicts (2 of 4 stars). 2 submissions from 2 submitters: Uncertain significance (2). Last evaluated 2025-12-03.

Conditions:
Inborn genetic diseases. Identifiers: MedGen C0950123, MeSH D030342.

Allele frequency attached by ClinVar (database versions not stated): gnomAD 0.00002.
gnomAD v4.1: 21 of 1,613,084 alleles (0.0013%); highest among the groups gnomAD compares: South Asian, 0.0088%; no homozygotes.

Submissions (2):

Labcorp Genetics (formerly Invitae), Labcorp
Classification: Uncertain significance. Last evaluated: 2025-12-03. Review status: criteria provided, single submitter. Criteria: Invitae Variant Classification Sherloc (09022015). Collection method: clinical testing. Allele origin: germline.
Comment: This sequence change replaces arginine, which is basic and polar, with tryptophan, which is neutral and slightly polar, at codon 1387 of the POLR1A protein (p.Arg1387Trp). This variant is present in population databases (rs570647558, gnomAD 0.008%). This variant has not been reported in the literature in individuals affected with POLR1A-related conditions. ClinVar contains an entry for this variant (Variation ID: 2783381). An algorithm developed to predict the effect of missense changes on protein structure and function (PolyPhen-2) suggests that this variant is likely to be disruptive. In summary, the available evidence is currently insufficient to determine the role of this variant in disease. Therefore, it has been classified as a Variant of Uncertain Significance.

Ambry Genetics
Classification: Uncertain significance for Inborn genetic diseases. Last evaluated: 2024-03-04. Review status: criteria provided, single submitter. Criteria: Ambry Variant Classification Scheme 2023. Collection method: clinical testing. Allele origin: germline.

NM_015425.6(POLR1A):c.4159C>T (p.Arg1387Trp)

Gene: POLR1A (RNA polymerase I subunit A; minus strand). Cytogenetic location: 2p11.2.
Variant type: single nucleotide variant.
Coding change: c.4159C>T on transcript NM_015425.6 (MANE Select); coding-DNA position 4159, C replaced by T.
Protein change: p.Arg1387Trp; replaces arginine 1387 with tryptophan.
Molecular consequence: missense variant.
Genome position (GRCh38, 1-based): chr2:86,033,663, G>A on the plus strand (C>T on the coding strand, the complement: POLR1A is on the minus strand). VCF-style: chr2-86033663-G-A. GRCh37 (hg19) VCF-style: chr2-86260786-G-A.
Other names: c.4159C>T (NM_015425.3); short protein forms R1387W.
Identifiers: ClinVar variation 2783381 (VCV002783381.4), dbSNP rs570647558, ClinGen allele CA51368022.